The following is an entry in ClinVar:

NM_001038.6(SCNN1A):c.*70T>C

Gene: SCNN1A (sodium channel epithelial 1 subunit alpha; minus strand). Cytogenetic location: 12p13.31.
Variant type: single nucleotide variant.
Coding change: c.*70T>C on transcript NM_001038.6 (MANE Select); 70 bases downstream of the stop codon, T replaced by C.
Molecular consequence: 3 prime UTR variant.
Genome position (GRCh38, 1-based): chr12:6,347,803, A>G on the plus strand (T>C on the coding strand, the complement: SCNN1A is on the minus strand). VCF-style: chr12-6347803-A-G. GRCh37 (hg19) VCF-style: chr12-6456969-A-G.
Other names: c.*70T>C (NM_001159575.2, NM_001159576.2).
Identifiers: ClinVar variation 310129 (VCV000310129.7), dbSNP rs72657538, ClinGen allele CA10633453.

ClinVar aggregate classification (germline): Benign/Likely benign. Review status: criteria provided, multiple submitters, no conflicts (2 of 4 stars). 3 submissions from 2 submitters: Benign (2); Likely benign (1). Last evaluated 2020-03-07.

Conditions:
Pseudohypoaldosteronism, type IB1, autosomal recessive. Also called: Pseudohypoaldosteronism, Type I, Autosomal Recessive; PHA I, AUTOSOMAL RECESSIVE; Pseudohypoaldosteronism, Type I, Recessive; Autosomal recessive pseudohypoaldosteronism type 1. Identifiers: Orphanet 171876, Orphanet 756, MedGen C5774176, MONDO:0009917, OMIM 264350.
Bronchiectasis with or without elevated sweat chloride 2 (BESC2). Identifiers: Orphanet 60033, MedGen C2751666, MONDO:0013087, OMIM 613021.

Allele frequency attached by ClinVar (database versions not stated): gnomAD exomes 0.00134; gnomAD 0.00699 and 0.00731; TOPMed 0.00828; 1000 Genomes Project 0.00879; 1000 Genomes Project 30x 0.00921.

Submissions (3):

GeneDx
Classification: Likely benign. Last evaluated: 2020-03-07. Review status: criteria provided, single submitter. Criteria: GeneDx Variant Classification Process June 2021. Collection method: clinical testing. Allele origin: germline. Affected: yes.

Illumina Laboratory Services, Illumina
Classification: Benign for Pseudohypoaldosteronism, type IB1, autosomal recessive. Last evaluated: 2018-01-13. Review status: criteria provided, single submitter. Criteria: ICSL Variant Classification Criteria 13 December 2019. Collection method: clinical testing. Allele origin: germline.
Comment: This variant was observed in the ICSL laboratory as part of a predisposition screen in an ostensibly healthy population. It had not been previously curated by ICSL or reported in the Human Gene Mutation Database (HGMD: prior to June 1st, 2018), and was therefore a candidate for classification through an automated scoring system. Utilizing variant allele frequency, disease prevalence and penetrance estimates, and inheritance mode, an automated score was calculated to assess if this variant is too frequent to cause the disease. Based on the score and internal cut-off values, a variant classified as benign is not then subjected to further curation. The score for this variant resulted in a classification of benign for this disease.

Illumina Laboratory Services, Illumina
Classification: Benign for Bronchiectasis with or without elevated sweat chloride 2. Last evaluated: 2018-01-13. Review status: criteria provided, single submitter. Criteria: ICSL Variant Classification Criteria 13 December 2019. Collection method: clinical testing. Allele origin: germline.
Comment: the same text as in the submission from Illumina Laboratory Services, Illumina above.